The following is an entry in ClinVar:

NM_014845.6(FIG4):c.2096+3A>G

Gene: FIG4 (FIG4 phosphoinositide 5-phosphatase; plus strand). Cytogenetic location: 6q21.
Variant type: single nucleotide variant.
Coding change: c.2096+3A>G on transcript NM_014845.6 (MANE Select); 3 bases into the intron after coding-DNA position 2096, A replaced by G.
Molecular consequence: intron variant.
Genome position (GRCh38, 1-based): chr6:109,786,452, A>G. VCF-style: chr6-109786452-A-G. GRCh37 (hg19) VCF-style: chr6-110107655-A-G.
Identifiers: ClinVar variation 906020 (VCV000906020.10), dbSNP rs374223402, ClinGen allele CA3956272.
Genomic context (GRCh38, chr6:109,786,452, plus strand): 5'-CATATGAGTTGAGCAGCTTTGATGATACCTTTTGCTTGGCTATGACAAGCTCAGCACGGT[A>G]TGTTGTGTGTATTCTGATACCATAAGTATTTGAGAACTGTAGTTTTCCTAGTTTGTATAT-3'

ClinVar aggregate classification (germline): Uncertain significance. Review status: criteria provided, multiple submitters, no conflicts (2 of 4 stars). 6 submissions from 5 submitters: Uncertain significance (6). Last evaluated 2026-04-06.

Conditions:
Inborn genetic diseases. Identifiers: MedGen C0950123, MeSH D030342.
FIG4-related disorder. Also called: FIG4-related condition; FIG4-related disorders.
Charcot-Marie-Tooth disease type 4. Also called: Charcot-Marie-Tooth disease, type IV; Charcot-Marie-Tooth, Type 4. Identifiers: Orphanet 64749, MedGen C4082197, MONDO:0018995.
Charcot-Marie-Tooth disease type 4J (CMT4J). Also called: CHARCOT-MARIE-TOOTH DISEASE, DEMYELINATING, TYPE 4J; Charcot-Marie-Tooth Neuropathy Type 4J; CHARCOT-MARIE-TOOTH DISEASE, AUTOSOMAL RECESSIVE, TYPE 4J. Identifiers: Orphanet 139515, MedGen C1970011, MONDO:0012640, OMIM 611228.
Amyotrophic lateral sclerosis type 11 (ALS11). Identifiers: Orphanet 803, MedGen C2675491, MONDO:0012945, OMIM 612577.
Charcot-Marie-Tooth disease. Also called: Charcot-Marie-Tooth Neuropathy; Charcot-Marie-Tooth Hereditary Neuropathy. Identifiers: Orphanet 166, MedGen C0007959, MONDO:0015626.

Allele frequency attached by ClinVar (database versions not stated): gnomAD exomes 0.00001; ExAC 0.00002; TOPMed 0.00003; gnomAD 0.00005; ESP Exome Variant Server 0.00008.
gnomAD v4.1: 43 of 1,613,568 alleles (0.0027%); highest among the groups gnomAD compares: Non-Finnish European, 0.0031%; no homozygotes.

Submissions (6):

PreventionGenetics, part of Exact Sciences
Classification: Uncertain significance for FIG4-related condition. Last evaluated: 2026-04-06. Review status: criteria provided, single submitter. Criteria: ACMG Guidelines, 2015. Collection method: clinical testing. Allele origin: germline.
Comment: The FIG4 c.2096+3A>G variant is predicted to interfere with splicing. To our knowledge, this variant has not been reported in the literature. This variant is reported in 0.0040% of alleles in individuals of African descent in gnomAD. At this time, the clinical significance of this variant is uncertain due to the absence of conclusive functional and genetic evidence.

Ambry Genetics
Classification: Uncertain significance for Inborn genetic diseases. Last evaluated: 2023-05-19. Review status: criteria provided, single submitter. Criteria: Ambry Variant Classification Scheme 2023. Collection method: clinical testing. Allele origin: germline.
Comment: The c.2096+3A>G intronic alteration consists of a A to G substitution nucleotides after coding exon 18 in the FIG4 gene. Based on insufficient or conflicting evidence, the clinical significance of this alteration remains unclear.

Labcorp Genetics (formerly Invitae), Labcorp
Classification: Uncertain significance for Charcot-Marie-Tooth disease type 4. Last evaluated: 2021-12-27. Review status: criteria provided, single submitter. Criteria: Invitae Variant Classification Sherloc (09022015). Collection method: clinical testing. Allele origin: germline.
Comment: This sequence change falls in intron 18 of the FIG4 gene. It does not directly change the encoded amino acid sequence of the FIG4 protein. It affects a nucleotide within the consensus splice site. This variant is present in population databases (rs374223402, gnomAD 0.004%). This variant has not been reported in the literature in individuals affected with FIG4-related conditions. ClinVar contains an entry for this variant (Variation ID: 906020). Variants that disrupt the consensus splice site are a relatively common cause of aberrant splicing (PMID: 17576681, 9536098). Algorithms developed to predict the effect of sequence changes on RNA splicing suggest that this variant may disrupt the consensus splice site. In summary, the available evidence is currently insufficient to determine the role of this variant in disease. Therefore, it has been classified as a Variant of Uncertain Significance.

Department of Pathology and Laboratory Medicine, Sinai Health System
Classification: Uncertain significance for Charcot-Marie-Tooth disease. Last evaluated: 2021-07-30. Review status: criteria provided, single submitter. Criteria: ACMG Guidelines, 2015. Collection method: research. Allele origin: germline.

Illumina Laboratory Services, Illumina
Classification: Uncertain significance for Charcot-Marie-Tooth disease type 4J. Last evaluated: 2018-01-12. Review status: criteria provided, single submitter. Criteria: ICSL Variant Classification Criteria 13 December 2019. Collection method: clinical testing. Allele origin: germline.

Illumina Laboratory Services, Illumina
Classification: Uncertain significance for Amyotrophic lateral sclerosis type 11. Last evaluated: 2018-01-12. Review status: criteria provided, single submitter. Criteria: ICSL Variant Classification Criteria 13 December 2019. Collection method: clinical testing. Allele origin: germline.

Literature cited by the submitters: PubMed 17576681 (cited by Labcorp Genetics (formerly Invitae), Labcorp); PubMed 9536098 (cited by Labcorp Genetics (formerly Invitae), Labcorp).